The following is an entry in ClinVar:

ClinVar aggregate classification (germline): Uncertain significance (1 of 4 stars; one submission).

Allele frequency attached by ClinVar (database versions not stated): ExAC 0.00001.
gnomAD v4.1: 3 of 1,613,934 alleles (0.00019%); highest among the groups gnomAD compares: South Asian, 0.0022%; no homozygotes.

Submission:

Labcorp Genetics (formerly Invitae), Labcorp
Classification: Uncertain significance. Last evaluated: 2025-03-11. Review status: criteria provided, single submitter. Criteria: Invitae Variant Classification Sherloc (09022015). Collection method: clinical testing. Allele origin: germline.
Comment: This sequence change replaces leucine, which is neutral and non-polar, with phenylalanine, which is neutral and non-polar, at codon 676 of the DSG1 protein (p.Leu676Phe). This variant is present in population databases (rs754679985, gnomAD 0.003%). This variant has not been reported in the literature in individuals affected with DSG1-related conditions. ClinVar contains an entry for this variant (Variation ID: 1954734). Invitae Evidence Modeling of protein sequence and biophysical properties (such as structural, functional, and spatial information, amino acid conservation, physicochemical variation, residue mobility, and thermodynamic stability) indicates that this missense variant is not expected to disrupt DSG1 protein function with a negative predictive value of 80%. In summary, the available evidence is currently insufficient to determine the role of this variant in disease. Therefore, it has been classified as a Variant of Uncertain Significance.

NM_001942.4(DSG1):c.2028A>T (p.Leu676Phe)

Genes: DSG1 (desmoglein 1; plus strand), DSG1-AS1 (DSG1 antisense RNA 1; minus strand). Cytogenetic location: 18q12.1.
Variant type: single nucleotide variant.
Coding change: c.2028A>T on transcript NM_001942.4 (MANE Select); coding-DNA position 2028, A replaced by T.
Protein change: p.Leu676Phe; replaces leucine 676 with phenylalanine.
Molecular consequence: missense variant.
Genome position (GRCh38, 1-based): chr18:31,346,126, A>T. VCF-style: chr18-31346126-A-T. GRCh37 (hg19) VCF-style: chr18-28926089-A-T.
Other names: short protein forms L676F.
Identifiers: ClinVar variation 1954734 (VCV001954734.5), dbSNP rs754679985, ClinGen allele CA8926250.